The following is an entry in ClinVar:

ClinVar aggregate classification (germline): Uncertain significance (1 of 4 stars; one submission).

Conditions:
LAMA2-related muscular dystrophy (LAMA2-RD). Also called: Laminin alpha 2-related dystrophy. Identifiers: MedGen C5679788, MONDO:0100228.

Submission:

Labcorp Genetics (formerly Invitae), Labcorp
Classification: Uncertain significance for LAMA2-related muscular dystrophy. Last evaluated: 2024-10-24. Review status: criteria provided, single submitter. Criteria: Invitae Variant Classification Sherloc (09022015). Collection method: clinical testing. Allele origin: germline.
Comment: This sequence change replaces alanine, which is neutral and non-polar, with valine, which is neutral and non-polar, at codon 2697 of the LAMA2 protein (p.Ala2697Val). This variant is not present in population databases (gnomAD no frequency). This variant has not been reported in the literature in individuals affected with LAMA2-related conditions. Invitae Evidence Modeling of protein sequence and biophysical properties (such as structural, functional, and spatial information, amino acid conservation, physicochemical variation, residue mobility, and thermodynamic stability) indicates that this missense variant is not expected to disrupt LAMA2 protein function with a negative predictive value of 95%. In summary, the available evidence is currently insufficient to determine the role of this variant in disease. Therefore, it has been classified as a Variant of Uncertain Significance.

NM_000426.4(LAMA2):c.8090C>T (p.Ala2697Val)

Gene: LAMA2 (laminin subunit alpha 2; plus strand). Cytogenetic location: 6q22.33.
Variant type: single nucleotide variant.
Coding change: c.8090C>T on transcript NM_000426.4 (MANE Select); coding-DNA position 8090, C replaced by T.
Protein change: p.Ala2697Val; replaces alanine 2697 with valine.
Molecular consequence: missense variant.
Genome position (GRCh38, 1-based): chr6:129,492,329, C>T. VCF-style: chr6-129492329-C-T. GRCh37 (hg19) VCF-style: chr6-129813474-C-T.
Other names: c.8078C>T, p.Ala2693Val (NM_001079823.2); short protein forms A2693V, A2697V.
Identifiers: ClinVar variation 2743345 (VCV002743345.3), dbSNP rs1784912360, ClinGen allele CA365631312.
Genomic context (GRCh38, chr6:129,492,329, plus strand): 5'-GCAAAAAAACGAAAATAAAAAAATCTTATTTATTACATTCTATTAGCCCCATGGACTTTG[C>T]AAGGCCTGTGTCCTTCAAAAATGCTGACATTGGTCGCTGTGCCCATCAGAAACTCCGTGA-3'
Protein context (NP_000417.3, residues 2687-2707): LVINSVPMDF[Ala2697Val]RPVSFKNADI